The following is an entry in ClinVar:

NM_000155.4(GALT):c.231G>A (p.Gly77=)

Genes: GALT (galactose-1-phosphate uridylyltransferase; plus strand), LOC130001683 (ATAC-STARR-seq lymphoblastoid active region 28314; plus strand). Cytogenetic location: 9p13.3.
Variant type: single nucleotide variant.
Coding change: c.231G>A on transcript NM_000155.4 (MANE Select); coding-DNA position 231, G replaced by A.
Protein change: p.Gly77=; no amino-acid change (glycine 77 retained).
Molecular consequence: synonymous variant. On other transcripts: missense variant (1).
Genome position (GRCh38, 1-based): chr9:34,647,237, G>A. VCF-style: chr9-34647237-G-A. GRCh37 (hg19) VCF-style: chr9-34647234-G-A.
Other names: c.29G>A, p.Gly10Glu (NM_001258332.2); c.29G>A (NM_001258332.1); short protein forms G10E.
Identifiers: ClinVar variation 793530 (VCV000793530.11), dbSNP rs1269693119, ClinGen allele CA373278828.

ClinVar aggregate classification (germline): Conflicting classifications of pathogenicity. Review status: criteria provided, conflicting classifications (1 of 4 stars). 2 submissions from 2 submitters: Uncertain significance (1); Likely benign (1). Last evaluated 2026-07-30.

Conditions:
Deficiency of UDPglucose-hexose-1-phosphate uridylyltransferase. Also called: Transferase Deficiency Galactosemia; GALACTOSE-1-PHOSPHATE URIDYLYLTRANSFERASE DEFICIENCY; GALT deficiency; Galactosemia, classic; GALACTOSEMIA I. Identifiers: Orphanet 352, Orphanet 79239, MedGen C0268151, MONDO:0009258, OMIM 230400.
GALT-related disorder. Also called: GALT-related condition.

Allele frequency attached by ClinVar (database versions not stated): gnomAD exomes 0.00001; TOPMed 0.00002; gnomAD 0.00003.
gnomAD v4.1: 11 of 1,614,002 alleles (0.00068%); highest among the groups gnomAD compares: Admixed American, 0.0017%; no homozygotes.

Submissions (2):

PreventionGenetics, part of Exact Sciences
Classification: Uncertain significance for GALT-related condition. Last evaluated: 2026-07-30. Review status: criteria provided, single submitter. Criteria: ACMG Guidelines, 2015. Collection method: clinical testing. Allele origin: germline.
Comment: The GALT c.29G>A variant is predicted to result in the amino acid substitution p.Gly10Glu. To our knowledge, this variant has not been reported in the literature. This variant is reported in 0.0023% of alleles in individuals of European (Non-Finnish) descent in gnomAD. This variant results in a synonymous change in the alternate transcript for this gene (NM_000155:c.231G>A). Although we suspect that this variant may be benign, at this time, the clinical significance of this variant is uncertain due to the absence of conclusive functional and genetic evidence.

Labcorp Genetics (formerly Invitae), Labcorp
Classification: Likely benign for Deficiency of UDPglucose-hexose-1-phosphate uridylyltransferase. Last evaluated: 2024-03-03. Review status: criteria provided, single submitter. Criteria: Invitae Variant Classification Sherloc (09022015). Collection method: clinical testing. Allele origin: germline.